The following is an entry in ClinVar:

NM_020810.3(TRMT5):c.563C>A (p.Ala188Asp)

Gene: TRMT5 (tRNA methyltransferase 5; minus strand). Cytogenetic location: 14q23.1.
Variant type: single nucleotide variant.
Coding change: c.563C>A on transcript NM_020810.3 (MANE Select); coding-DNA position 563, C replaced by A.
Protein change: p.Ala188Asp; replaces alanine 188 with aspartic acid.
Molecular consequence: missense variant.
Genome position (GRCh38, 1-based): chr14:60,979,335, G>T on the plus strand (C>A on the coding strand, the complement: TRMT5 is on the minus strand). VCF-style: chr14-60979335-G-T. GRCh37 (hg19) VCF-style: chr14-61446053-G-T.
Other names: c.647C>A, p.Ala216Asp (NM_001350253.1); c.644C>A, p.Ala215Asp (NM_001350254.1); c.563C>A (NM_020810.2); short protein forms A188D, A216D, A215D.
Identifiers: ClinVar variation 1424089 (VCV001424089.8), dbSNP rs775836195, ClinGen allele CA7213899.

ClinVar aggregate classification (germline): Uncertain significance. Review status: criteria provided, multiple submitters, no conflicts (2 of 4 stars). 2 submissions from 2 submitters: Uncertain significance (2). Last evaluated 2025-04-01.

Conditions:
Inborn genetic diseases. Identifiers: MedGen C0950123, MeSH D030342.

Allele frequency attached by ClinVar (database versions not stated): gnomAD 0.00003 and 0.00002; gnomAD exomes 0.00006; ExAC 0.00006; TOPMed 0.00002.
gnomAD v4.1: 52 of 1,613,932 alleles (0.0032%); highest among the groups gnomAD compares: South Asian, 0.019%; no homozygotes.

Submissions (2):

Ambry Genetics
Classification: Uncertain significance for Inborn genetic diseases. Last evaluated: 2025-04-01. Review status: criteria provided, single submitter. Criteria: Ambry Variant Classification Scheme 2023. Collection method: clinical testing. Allele origin: germline.

Labcorp Genetics (formerly Invitae), Labcorp
Classification: Uncertain significance. Last evaluated: 2024-02-24. Review status: criteria provided, single submitter. Criteria: Invitae Variant Classification Sherloc (09022015). Collection method: clinical testing. Allele origin: germline.
Comment: This sequence change replaces alanine, which is neutral and non-polar, with aspartic acid, which is acidic and polar, at codon 188 of the TRMT5 protein (p.Ala188Asp). This variant is present in population databases (rs775836195, gnomAD 0.02%). This variant has not been reported in the literature in individuals affected with TRMT5-related conditions. ClinVar contains an entry for this variant (Variation ID: 1424089). Advanced modeling of protein sequence and biophysical properties (such as structural, functional, and spatial information, amino acid conservation, physicochemical variation, residue mobility, and thermodynamic stability) performed at Invitae indicates that this missense variant is expected to disrupt TRMT5 protein function with a positive predictive value of 80%. In summary, the available evidence is currently insufficient to determine the role of this variant in disease. Therefore, it has been classified as a Variant of Uncertain Significance.